The following is an entry in ClinVar:

ClinVar aggregate classification (germline): Likely benign (1 of 4 stars; one submission).

gnomAD v4.1: 198 of 1,585,254 alleles (0.012%); highest among the groups gnomAD compares: Middle Eastern, 0.045%; 1 homozygote.

Submission:

CeGaT Center for Human Genetics Tuebingen
Classification: Likely benign. Last evaluated: 2025-02-01. Review status: criteria provided, single submitter. Criteria: CeGaT Center For Human Genetics Tuebingen Variant Classification Criteria Version 2. Collection method: clinical testing. Allele origin: germline. Affected: yes. Observed: 2 variant alleles.
Comment: LAMA5: BP4

NM_005560.6(LAMA5):c.11015G>A (p.Arg3672Gln)

Gene: LAMA5 (laminin subunit alpha 5; minus strand). Cytogenetic location: 20q13.33.
Variant type: single nucleotide variant.
Coding change: c.11015G>A on transcript NM_005560.6 (MANE Select); coding-DNA position 11015, G replaced by A.
Protein change: p.Arg3672Gln; replaces arginine 3672 with glutamine.
Molecular consequence: missense variant.
Genome position (GRCh38, 1-based): chr20:62,309,409, C>T on the plus strand (G>A on the coding strand, the complement: LAMA5 is on the minus strand). VCF-style: chr20-62309409-C-T. GRCh37 (hg19) VCF-style: chr20-60884465-C-T.
Other names: short protein forms R3672Q.
Identifiers: ClinVar variation 3771137 (VCV003771137.13).